The following is an entry in ClinVar:

NM_000503.6(EYA1):c.1523C>T (p.Ala508Val)

Gene: EYA1 (EYA transcriptional coactivator and phosphatase 1; minus strand). Cytogenetic location: 8q13.3.
Variant type: single nucleotide variant.
Coding change: c.1523C>T on transcript NM_000503.6 (MANE Select); coding-DNA position 1523, C replaced by T.
Protein change: p.Ala508Val; replaces alanine 508 with valine.
Molecular consequence: missense variant.
Genome position (GRCh38, 1-based): chr8:71,215,461, G>A on the plus strand (C>T on the coding strand, the complement: EYA1 is on the minus strand). VCF-style: chr8-71215461-G-A. GRCh37 (hg19) VCF-style: chr8-72127696-G-A.
Other names: c.1505C>T, p.Ala502Val (NM_001288574.2, NM_172059.5); c.1157C>T, p.Ala386Val (NM_001288575.2); c.1610C>T, p.Ala537Val (NM_001370333.1); c.1523C>T, p.Ala508Val (NM_001370334.1, NM_001370335.1, NM_172058.4); c.1502C>T, p.Ala501Val (NM_001370336.1); c.1523C>T (NM_172058.3); short protein forms A508V, A501V, A537V, A386V, A502V.
Identifiers: ClinVar variation 560446 (VCV000560446.6), dbSNP rs754901033, ClinGen allele CA4779428.

ClinVar aggregate classification (germline): Uncertain significance. Review status: criteria provided, multiple submitters, no conflicts (2 of 4 stars). 5 submissions from 5 submitters: Uncertain significance (4). 1 of the submissions does not count toward it. Last evaluated 2026-07-31.

Conditions:
Melnick-Fraser syndrome (BOR). Also called: Branchio-oto-renal syndrome; Branchiootorenal syndrome; Branchiootorenal Syndrome (BORS). Identifiers: Orphanet 107, MedGen C0265234, MONDO:0007029.
Branchiootorenal syndrome 1. Also called: Branchio-Oto-Renal Syndrome 1. Identifiers: Orphanet 107, MedGen C4551702, MONDO:0007236, OMIM 113650.
EYA1-related disorder. Also called: EYA1-related condition.
Otofaciocervical syndrome 1 (OTFCS). Identifiers: MedGen C3714941, MONDO:0024532, OMIM 166780.
Branchiootic syndrome 1 (BOS1). Also called: BO SYNDROME 1; BRANCHIOOTIC DYSPLASIA. Identifiers: MedGen C1865143, MONDO:0011258, OMIM 602588.

Allele frequency attached by ClinVar (database versions not stated): gnomAD exomes 0.00001; ExAC 0.00001; gnomAD 0.00001 and 0.00002; TOPMed 0.00002.
gnomAD v4.1: 20 of 1,613,210 alleles (0.0012%); highest among the groups gnomAD compares: Admixed American, 0.0033%; no homozygotes.

Submissions (5):

PreventionGenetics, part of Exact Sciences
Classification: Uncertain significance for EYA1-related condition. Last evaluated: 2026-07-31. Review status: criteria provided, single submitter. Criteria: ACMG Guidelines, 2015. Collection method: clinical testing. Allele origin: germline.
Comment: The EYA1 c.1523C>T variant is predicted to result in the amino acid substitution p.Ala508Val. To our knowledge, this variant has not been reported in the literature. This variant is reported in 0.0040% of alleles in individuals of African descent in gnomAD. At this time, the clinical significance of this variant is uncertain due to the absence of conclusive functional and genetic evidence.

Labcorp Genetics (formerly Invitae), Labcorp
Classification: Uncertain significance for Melnick-Fraser syndrome. Last evaluated: 2025-11-11. Review status: criteria provided, single submitter. Criteria: Invitae Variant Classification Sherloc (09022015). Collection method: clinical testing. Allele origin: germline.
Comment: This sequence change replaces alanine, which is neutral and non-polar, with valine, which is neutral and non-polar, at codon 508 of the EYA1 protein (p.Ala508Val). This variant is present in population databases (rs754901033, gnomAD 0.004%). This variant has not been reported in the literature in individuals affected with EYA1-related conditions. ClinVar contains an entry for this variant (Variation ID: 560446). Invitae Evidence Modeling of protein sequence and biophysical properties (such as structural, functional, and spatial information, amino acid conservation, physicochemical variation, residue mobility, and thermodynamic stability) has been performed for this missense variant. However, the output from this modeling did not meet the statistical confidence thresholds required to predict the impact of this variant on EYA1 protein function. In summary, the available evidence is currently insufficient to determine the role of this variant in disease. Therefore, it has been classified as a Variant of Uncertain Significance.

Fulgent Genetics
Classification: Uncertain significance for Branchiootorenal syndrome 1; Otofaciocervical syndrome 1; Branchiootic syndrome 1. Last evaluated: 2024-04-08. Review status: criteria provided, single submitter. Criteria: ACMG Guidelines, 2015. Collection method: clinical testing. Allele origin: germline.

New York Genome Center
Classification: Uncertain significance for Branchiootorenal syndrome 1; Branchiootic syndrome 1; Otofaciocervical syndrome 1. Last evaluated: 2021-11-19. Review status: criteria provided, single submitter. Criteria: NYGC Assertion Criteria 2020. Collection method: clinical testing. Allele origin: inherited. Observed: 1 heterozygote. Study: PrenatalSEQ.
Comment: The c.1523C>T variant identified in EYA1 has previously been reported in ClinVar [ClinVar ID: 560446] as a Variant of Unknown Significance. The variant is observed in 11 alleles with no homozygotes across population databases (gnomAD v2.1.1 and v3.1.2, TOPMed Freeze 8) suggesting it is not a common benign variant in the populations represented in those databases. The predicted p.(Ala508Val) variant affects a conserved residue in exon 16 of this 18-exon gene, and in silico algorithms are in favor of a damaging effect (CADD v1.6= 27.9, REVEL= 0.965). Of note, there are nearby missense variants reported in literature in individuals with EYA1-related Branchiootorenal syndrome. Based on available evidence, this inherited c.1523C>T (p.(Ala508Val)) variant identified in EYA1 is reported as a Variant of Uncertain Significance.

Joint Genome Diagnostic Labs from Nijmegen and Maastricht, Radboudumc and MUMC+
Classification: Uncertain significance for Branchiootorenal syndrome 1. Last evaluated: 2016-09-01. Review status: no assertion criteria provided. Collection method: clinical testing. Allele origin: inherited. Affected: yes. Observed: 1 variant allele. Not counted in ClinVar's aggregate classification.